The following is an entry in ClinVar:

ClinVar aggregate classification (germline): Uncertain significance (1 of 4 stars; one submission).

Conditions:
Hereditary cancer-predisposing syndrome. Also called: Hereditary neoplastic syndrome; Neoplastic Syndromes, Hereditary; Tumor predisposition; Hereditary Cancer Syndrome. Identifiers: Orphanet 140162, MedGen C0027672, MeSH D009386, MONDO:0015356.

Submission:

Ambry Genetics
Classification: Uncertain significance for Hereditary cancer-predisposing syndrome. Last evaluated: 2025-09-22. Review status: criteria provided, single submitter. Criteria: Ambry Variant Classification Scheme 2023. Collection method: clinical testing. Allele origin: germline.
Comment: The p.A35S variant (also known as c.103G>T), located in coding exon 1 of the CDKN2A (p14ARF) gene, results from a G to T substitution at nucleotide position 103. The alanine at codon 35 is replaced by serine, an amino acid with similar properties. This amino acid position is not well conserved in available vertebrate species. Based on the available evidence, the clinical significance of this variant remains unclear.

NM_058195.4(CDKN2A):c.103G>T (p.Ala35Ser)

Gene: CDKN2A (cyclin dependent kinase inhibitor 2A; minus strand). Cytogenetic location: 9p21.3.
Variant type: single nucleotide variant.
Coding change: c.103G>T on transcript NM_058195.4 (MANE Plus Clinical); coding-DNA position 103, G replaced by T.
Protein change: p.Ala35Ser; replaces alanine 35 with serine.
Molecular consequence: missense variant. On other transcripts: intron variant (1).
Genome position (GRCh38, 1-based): chr9:21,994,229, C>A on the plus strand (G>T on the coding strand, the complement: CDKN2A is on the minus strand). VCF-style: chr9-21994229-C-A. GRCh37 (hg19) VCF-style: chr9-21994228-C-A.
Other names: c.-4+592G>T (NM_001363763.2); short protein forms A35S.
Identifiers: ClinVar variation 1773773 (VCV001773773.2), dbSNP rs1473253589, ClinGen allele CA373086938.
Genomic context (GRCh38, chr9:21,994,229, plus strand): 5'-GACGCTGGCTCCTCAGTAGCATCAGCACGAGGGCCACAGCGGCGGGCGCCCCTGGCGCTG[C>A]CCACTCCCCCGTGAGCCGCGGGATGTGAACCACGAAAACCCTCACTCGCGGCGGGCCGCA-3'
Protein context (NP_478102.2, residues 25-45): VHIPRLTGEW[Ala35Ser]APGAPAAVAL